The following is an entry in ClinVar:

ClinVar aggregate classification (germline): Uncertain significance (1 of 4 stars; one submission).

Submission:

Labcorp Genetics (formerly Invitae), Labcorp
Classification: Uncertain significance. Last evaluated: 2023-05-16. Review status: criteria provided, single submitter. Criteria: Invitae Variant Classification Sherloc (09022015). Collection method: clinical testing. Allele origin: germline.
Comment: This variant has not been reported in the literature in individuals affected with COL11A1-related conditions. This variant is not present in population databases (gnomAD no frequency). This sequence change falls in intron 34 of the COL11A1 gene. It does not directly change the encoded amino acid sequence of the COL11A1 protein. Algorithms developed to predict the effect of sequence changes on RNA splicing suggest that this variant may create or strengthen a splice site. In summary, the available evidence is currently insufficient to determine the role of this variant in disease. Therefore, it has been classified as a Variant of Uncertain Significance.

NM_001854.4(COL11A1):c.2709+9T>G

Gene: COL11A1 (collagen type XI alpha 1 chain; minus strand). Cytogenetic location: 1p21.1.
Variant type: single nucleotide variant.
Coding change: c.2709+9T>G on transcript NM_001854.4 (MANE Select); 9 bases into the intron after coding-DNA position 2709, T replaced by G.
Molecular consequence: intron variant.
Genome position (GRCh38, 1-based): chr1:102,978,851, A>C on the plus strand (T>G on the coding strand, the complement: COL11A1 is on the minus strand). VCF-style: chr1-102978851-A-C. GRCh37 (hg19) VCF-style: chr1-103444407-A-C.
Other names: c.2592+9T>G (NM_001190709.2); c.2745+9T>G (NM_080629.3); c.2361+9T>G (NM_080630.4).
Identifiers: ClinVar variation 2865020 (VCV002865020.3), dbSNP rs2525108944, ClinGen allele CA2739275158.